The following is an entry in ClinVar:

ClinVar aggregate classification (germline): Likely benign (1 of 4 stars; one submission).

Submission:

CeGaT Center for Human Genetics Tuebingen
Classification: Likely benign. Last evaluated: 2023-03-01. Review status: criteria provided, single submitter. Criteria: CeGaT Center For Human Genetics Tuebingen Variant Classification Criteria Version 2. Collection method: clinical testing. Allele origin: germline. Affected: yes. Observed: 1 variant allele.
Comment: DCTN1: PM2:Supporting, BP4, BP7

NM_004082.5(DCTN1):c.1530T>G (p.Val510=)

Gene: DCTN1 (dynactin subunit 1; minus strand). Cytogenetic location: 2p13.1.
Variant type: single nucleotide variant.
Coding change: c.1530T>G on transcript NM_004082.5 (MANE Select); coding-DNA position 1530, T replaced by G.
Protein change: p.Val510=; no amino-acid change (valine 510 retained).
Molecular consequence: synonymous variant. On other transcripts: non-coding transcript variant (1).
Genome position (GRCh38, 1-based): chr2:74,369,354, A>C on the plus strand (T>G on the coding strand, the complement: DCTN1 is on the minus strand). VCF-style: chr2-74369354-A-C. GRCh37 (hg19) VCF-style: chr2-74596481-A-C.
Other names: c.1470T>G, p.Val490= (NM_001135040.3); c.1128T>G, p.Val376= (NM_001135041.3, NM_023019.4); c.1419T>G, p.Val473= (NM_001190836.2); c.1509T>G, p.Val503= (NM_001190837.2); c.1479T>G, p.Val493= (NM_001378991.1); c.1461T>G, p.Val487= (NM_001378992.1).
Identifiers: ClinVar variation 2498826 (VCV002498826.28), dbSNP rs2529145199, ClinGen allele CA427030664.